The following is an entry in ClinVar:

ClinVar aggregate classification (germline): Uncertain significance (1 of 4 stars; one submission).

Conditions:
Hereditary cancer-predisposing syndrome. Also called: Neoplastic Syndromes, Hereditary; Tumor predisposition; Hereditary Cancer Syndrome; Hereditary neoplastic syndrome. Identifiers: Orphanet 140162, MedGen C0027672, MeSH D009386, MONDO:0015356.

Submission:

Ambry Genetics
Classification: Uncertain significance for Hereditary cancer-predisposing syndrome. Last evaluated: 2025-09-20. Review status: criteria provided, single submitter. Criteria: Ambry Variant Classification Scheme 2023. Collection method: clinical testing. Allele origin: germline.
Comment: The p.N129S variant (also known as c.386A>G), located in coding exon 4 of the NBN gene, results from an A to G substitution at nucleotide position 386. The asparagine at codon 129 is replaced by serine, an amino acid with highly similar properties. This amino acid position is conserved. In addition, this alteration is predicted to be tolerated by in silico analysis. Based on the available evidence, the clinical significance of this variant remains unclear.

NM_002485.5(NBN):c.386A>G (p.Asn129Ser)

Gene: NBN (nibrin; minus strand). Cytogenetic location: 8q21.3.
Variant type: single nucleotide variant.
Coding change: c.386A>G on transcript NM_002485.5 (MANE Select); coding-DNA position 386, A replaced by G.
Protein change: p.Asn129Ser; replaces asparagine 129 with serine.
Molecular consequence: missense variant.
Genome position (GRCh38, 1-based): chr8:89,980,828, T>C on the plus strand (A>G on the coding strand, the complement: NBN is on the minus strand). VCF-style: chr8-89980828-T-C. GRCh37 (hg19) VCF-style: chr8-90993056-T-C.
Other names: c.140A>G, p.Asn47Ser (NM_001024688.3, NM_001440379.1, NM_001440380.1); short protein forms N129S, N47S.
Identifiers: ClinVar variation 4660476 (VCV004660476.1).